The following is an entry in ClinVar:

ClinVar aggregate classification (germline): Likely pathogenic (1 of 4 stars; one submission).

Conditions:
Chopra-Amiel-Gordon syndrome (CAGS). Also called: ANKRD17-Related Neurodevelopmental Syndrome. Identifiers: MedGen C5561975, MONDO:0859186, OMIM 619504.

Submission:

Juno Genomics, Hangzhou Juno Genomics, Inc
Classification: Likely pathogenic for Chopra-Amiel-Gordon syndrome. Review status: criteria provided, single submitter. Criteria: ACMG Guidelines, 2015. Collection method: clinical testing. Allele origin: germline. Affected: yes.
Comment: Null variant in a gene where loss of function (LOF) is a known mechanism of disease.;Absent from controls (or at extremely low frequency if recessive) in Genome Aggregation Database, Exome Sequencing Project, 1000 Genomes Project, or Exome Aggregation Consortium.

NM_032217.5(ANKRD17):c.3773del (p.Thr1257_Leu1258insTer)

Gene: ANKRD17 (ankyrin repeat domain 17; minus strand). Cytogenetic location: 4q13.3.
Variant type: Deletion.
Coding change: c.3773del on transcript NM_032217.5 (MANE Select); coding-DNA position 3773, one base deleted (T; older notation c.3773delT).
Protein change: p.Thr1257_Leu1258insTer.
Molecular consequence: nonsense.
Genome position (GRCh38, 1-based): chr4:73,120,957, A deleted on the plus strand (T on the coding strand, the reverse complement: ANKRD17 is on the minus strand); the first of 3 consecutive A bases (chr4:73,120,957-73,120,959); deleting any one gives the same sequence. VCF-style (leftmost placement, unchanged base first): chr4-73120956-TA-T. GRCh37 (hg19) VCF-style: chr4-73986673-TA-T.
Other names: c.3434del, p.Thr1144_Leu1145insTer (NM_001286771.3); c.3770del, p.Thr1256_Leu1257insTer (NM_015574.2); c.3020del, p.Thr1006_Leu1007insTer (NM_198889.3).
Identifiers: ClinVar variation 3382637 (VCV003382637.2).
Genomic context (GRCh38, chr4:73,120,956, plus strand): 5'-AACATTTGCTTTTCTATCAAGCAGAAGACTAACCACTTCAGTTCTTCCTTGGAAGCAGGC[TA>T]AAGTAAGGGCAGTGTTCCGATTGGTTTCTATCTGAGCATTTATGTCAGAGCCCATGTCTA-3'